The following is an entry in ClinVar:

NM_004304.5(ALK):c.4249G>T (p.Asp1417Tyr)

Gene: ALK (ALK receptor tyrosine kinase; minus strand). Cytogenetic location: 2p23.2.
Variant type: single nucleotide variant.
Coding change: c.4249G>T on transcript NM_004304.5 (MANE Select); coding-DNA position 4249, G replaced by T.
Protein change: p.Asp1417Tyr; replaces aspartic acid 1417 with tyrosine.
Molecular consequence: missense variant.
Genome position (GRCh38, 1-based): chr2:29,193,838, C>A on the plus strand (G>T on the coding strand, the complement: ALK is on the minus strand). VCF-style: chr2-29193838-C-A. GRCh37 (hg19) VCF-style: chr2-29416704-C-A.
Other names: c.1045G>T, p.Asp349Tyr (NM_001353765.2); short protein forms D349Y, D1417Y.
Identifiers: ClinVar variation 1739053 (VCV001739053.4), dbSNP rs1251673674, ClinGen allele CA346463068.

ClinVar aggregate classification (germline): Uncertain significance. Review status: criteria provided, multiple submitters, no conflicts (2 of 4 stars). 2 submissions from 2 submitters: Uncertain significance (2). Last evaluated 2025-07-27.

Conditions:
Neuroblastoma, susceptibility to, 3. Also called: ALK-Related Neuroblastic Tumor Susceptibility. Identifiers: Orphanet 635, MedGen C2751681, MONDO:0013083, OMIM 613014.
Hereditary cancer-predisposing syndrome. Also called: Neoplastic Syndromes, Hereditary; Tumor predisposition; Hereditary Cancer Syndrome; Hereditary neoplastic syndrome. Identifiers: Orphanet 140162, MedGen C0027672, MeSH D009386, MONDO:0015356.

gnomAD v4.1: 3 of 1,612,330 alleles (0.00019%); highest among the groups gnomAD compares: Non-Finnish European, 0.00017%; no homozygotes.

Submissions (2):

Labcorp Genetics (formerly Invitae), Labcorp
Classification: Uncertain significance for Neuroblastoma, susceptibility to, 3. Last evaluated: 2025-07-27. Review status: criteria provided, single submitter. Criteria: Invitae Variant Classification Sherloc (09022015). Collection method: clinical testing. Allele origin: germline.
Comment: This sequence change replaces aspartic acid, which is acidic and polar, with tyrosine, which is neutral and polar, at codon 1417 of the ALK protein (p.Asp1417Tyr). This variant is not present in population databases (gnomAD no frequency). This variant has not been reported in the literature in individuals affected with ALK-related conditions. ClinVar contains an entry for this variant (Variation ID: 1739053). An algorithm developed to predict the effect of missense changes on protein structure and function (PolyPhen-2) suggests that this variant is likely to be disruptive. In summary, the available evidence is currently insufficient to determine the role of this variant in disease. Therefore, it has been classified as a Variant of Uncertain Significance.

Ambry Genetics
Classification: Uncertain significance for Hereditary cancer-predisposing syndrome. Last evaluated: 2025-03-14. Review status: criteria provided, single submitter. Criteria: Ambry Variant Classification Scheme 2023. Collection method: clinical testing. Allele origin: germline.
Comment: The p.D1417Y variant (also known as c.4249G>T), located in coding exon 29 of the ALK gene, results from a G to T substitution at nucleotide position 4249. The aspartic acid at codon 1417 is replaced by tyrosine, an amino acid with highly dissimilar properties. This amino acid position is not well conserved in available vertebrate species. In addition, the in silico prediction for this alteration is inconclusive. Based on the available evidence, the clinical significance of this variant remains unclear.